The following is an entry in ClinVar:

ClinVar aggregate classification (germline): Uncertain significance (1 of 4 stars; one submission).

Submission:

GeneDx
Classification: Uncertain significance. Last evaluated: 2025-09-11. Review status: criteria provided, single submitter. Criteria: GeneDx Variant Classification Process June 2021. Collection method: clinical testing. Allele origin: germline.
Comment: Not observed at significant frequency in large population cohorts (gnomAD); In silico analysis suggests that this missense variant does not alter protein structure/function; Has not been previously published as pathogenic or benign to our knowledge

NM_006265.3(RAD21):c.1508A>G (p.Glu503Gly)

Gene: RAD21 (RAD21 cohesin complex component; minus strand). Cytogenetic location: 8q24.11.
Variant type: single nucleotide variant.
Coding change: c.1508A>G on transcript NM_006265.3 (MANE Select); coding-DNA position 1508, A replaced by G.
Protein change: p.Glu503Gly; replaces glutamic acid 503 with glycine.
Molecular consequence: missense variant.
Genome position (GRCh38, 1-based): chr8:116,850,730, T>C on the plus strand (A>G on the coding strand, the complement: RAD21 is on the minus strand). VCF-style: chr8-116850730-T-C. GRCh37 (hg19) VCF-style: chr8-117862969-T-C.
Other names: short protein forms E503G.
Identifiers: ClinVar variation 3365023 (VCV003365023.2).